The following is an entry in ClinVar:

NM_000610.4(CD44):c.489G>A (p.Thr163=)

Gene: CD44 (CD44 molecule (IN blood group); plus strand). Cytogenetic location: 11p13.
Variant type: single nucleotide variant.
Coding change: c.489G>A on transcript NM_000610.4 (MANE Select); coding-DNA position 489, G replaced by A.
Protein change: p.Thr163=; no amino-acid change (threonine 163 retained).
Molecular consequence: synonymous variant. On other transcripts: intron variant (1).
Genome position (GRCh38, 1-based): chr11:35,189,887, G>A. VCF-style: chr11-35189887-G-A. GRCh37 (hg19) VCF-style: chr11-35211434-G-A.
Other names: c.489G>A, p.Thr163= (NM_001001389.2, NM_001001390.2, NM_001001391.2 and 3 more transcripts); c.233+13147G>A (NM_001001392.2).
Identifiers: ClinVar variation 745899 (VCV000745899.6), dbSNP rs111287251, ClinGen allele CA5946411.

ClinVar aggregate classification (germline): Benign. Review status: criteria provided, multiple submitters, no conflicts (2 of 4 stars). 3 submissions from 3 submitters: Benign (2). 1 of the submissions does not count toward it. Last evaluated 2018-07-23.

Conditions:
CD44-related disorder. Also called: CD44-related condition.

Allele frequency attached by ClinVar (database versions not stated): gnomAD exomes 0.00021 and 0.00063; ExAC 0.00075; gnomAD 0.00249 and 0.00257; TOPMed 0.00269; ESP Exome Variant Server 0.00292; 1000 Genomes Project 30x 0.00312; 1000 Genomes Project 0.00319.
gnomAD v4.1: 711 of 1,614,102 alleles (0.044%); highest among the groups gnomAD compares: African/African-American, 0.85%; 4 homozygotes.

Submissions (3):

Labcorp Genetics (formerly Invitae), Labcorp
Classification: Benign. Last evaluated: 2018-07-23. Review status: criteria provided, single submitter. Criteria: Invitae Variant Classification Sherloc (09022015). Collection method: clinical testing. Allele origin: germline.

Breakthrough Genomics
Classification: Benign. Review status: criteria provided, single submitter. Criteria: ACMG Guidelines, 2015. Collection method: not provided. Allele origin: germline. Inheritance: Unknown mechanism. Affected: yes.

PreventionGenetics, part of Exact Sciences
Classification: Benign for CD44-related condition. Last evaluated: 2020-01-02. Review status: no assertion criteria provided. Collection method: clinical testing. Allele origin: germline. Not counted in ClinVar's aggregate classification.
Comment: This variant is classified as benign based on ACMG/AMP sequence variant interpretation guidelines (Richards et al. 2015 PMID: 25741868, with internal and published modifications).